The following is an entry in ClinVar:

ClinVar aggregate classification (germline): Uncertain significance (1 of 4 stars; one submission).

Conditions:
Hereditary cancer-predisposing syndrome. Also called: Tumor predisposition; Neoplastic Syndromes, Hereditary; Hereditary Cancer Syndrome; Hereditary neoplastic syndrome. Identifiers: Orphanet 140162, MedGen C0027672, MeSH D009386, MONDO:0015356.

Submission:

Ambry Genetics
Classification: Uncertain significance for Hereditary cancer-predisposing syndrome. Last evaluated: 2024-12-27. Review status: criteria provided, single submitter. Criteria: Ambry Variant Classification Scheme 2023. Collection method: clinical testing. Allele origin: germline.
Comment: The p.T142S variant (also known as c.425C>G), located in coding exon 3 of the NTHL1 gene, results from a C to G substitution at nucleotide position 425. The threonine at codon 142 is replaced by serine, an amino acid with similar properties. This amino acid position is conserved. In addition, this alteration is predicted to be deleterious by in silico analysis. Based on the available evidence, the clinical significance of this variant remains unclear.

NM_002528.7(NTHL1):c.401C>G (p.Thr134Ser)

Gene: NTHL1 (nth like DNA glycosylase 1; minus strand). Cytogenetic location: 16p13.3.
Variant type: single nucleotide variant.
Coding change: c.401C>G on transcript NM_002528.7 (MANE Select); coding-DNA position 401, C replaced by G.
Protein change: p.Thr134Ser; replaces threonine 134 with serine.
Molecular consequence: missense variant. On other transcripts: intron variant (1).
Genome position (GRCh38, 1-based): chr16:2,044,754, G>C on the plus strand (C>G on the coding strand, the complement: NTHL1 is on the minus strand). VCF-style: chr16-2044754-G-C. GRCh37 (hg19) VCF-style: chr16-2094755-G-C.
Other names: c.71C>G, p.Thr24Ser (NM_001318194.2); c.355-1028C>G (NM_001318193.2); short protein forms T134S, T24S.
Identifiers: ClinVar variation 3881354 (VCV003881354.1).